The following is an entry in ClinVar:

NM_017780.4(CHD7):c.8623G>C (p.Gly2875Arg)

Gene: CHD7 (chromodomain helicase DNA binding protein 7; plus strand). Cytogenetic location: 8q12.2.
Variant type: single nucleotide variant.
Coding change: c.8623G>C on transcript NM_017780.4 (MANE Select); coding-DNA position 8623, G replaced by C.
Protein change: p.Gly2875Arg; replaces glycine 2875 with arginine.
Molecular consequence: missense variant.
Genome position (GRCh38, 1-based): chr8:60,865,562, G>C. VCF-style: chr8-60865562-G-C. GRCh37 (hg19) VCF-style: chr8-61778121-G-C.
Other names: c.8623G>C (NM_017780.3); c.2476G>C, p.Gly826Arg (NM_001316690.1); short protein forms G2875R, G826R.
Identifiers: ClinVar variation 1218035 (VCV001218035.12), dbSNP rs768688793, ClinGen allele CA4761043.

ClinVar aggregate classification (germline): Conflicting classifications of pathogenicity. Review status: criteria provided, conflicting classifications (1 of 4 stars). 3 submissions from 3 submitters: Uncertain significance (1); Likely benign (2). Last evaluated 2025-10-17.

Conditions:
Inborn genetic diseases. Identifiers: MedGen C0950123, MeSH D030342.
CHARGE syndrome (CHARGE). Also called: Hittner Hirsch Kreh syndrome; CHARGE ASSOCIATION--COLOBOMA, HEART ANOMALY, CHOANAL ATRESIA, RETARDATION, GENITAL AND EAR ANOMALIES; Coloboma, heart anomaly, choanal atresia, retardation, genital and ear anomalies; CHARGE association; Hall-Hittner syndrome. Identifiers: Orphanet 138, MedGen C0265354, MONDO:0008965.

Allele frequency attached by ClinVar (database versions not stated): gnomAD exomes below 0.00001 and 0.00001; TOPMed below 0.00001; ExAC 0.00001; gnomAD 0.00001.

Submissions (3):

Ambry Genetics
Classification: Uncertain significance for Inborn genetic diseases. Last evaluated: 2025-10-17. Review status: criteria provided, single submitter. Criteria: Ambry Variant Classification Scheme 2023. Collection method: clinical testing. Allele origin: germline.

Labcorp Genetics (formerly Invitae), Labcorp
Classification: Likely benign for CHARGE syndrome. Last evaluated: 2022-08-19. Review status: criteria provided, single submitter. Criteria: Invitae Variant Classification Sherloc (09022015). Collection method: clinical testing. Allele origin: germline.

GeneDx
Classification: Likely benign. Last evaluated: 2020-06-01. Review status: criteria provided, single submitter. Criteria: GeneDx Variant Classification Process June 2021. Collection method: clinical testing. Allele origin: germline. Affected: yes.
Comment: Not observed at a significant frequency in large population cohorts (Lek et al., 2016); In silico analysis, which includes protein predictors and evolutionary conservation, supports that this variant does not alter protein structure/function; Has not been previously published as pathogenic or benign to our knowledge